The following is an entry in ClinVar:

ClinVar aggregate classification (germline): Uncertain significance (1 of 4 stars; one submission).

gnomAD v4.1: 1 of 1,613,794 alleles (0.000062%); highest among the groups gnomAD compares: Non-Finnish European, 0.000085%; no homozygotes.

Submission:

Labcorp Genetics (formerly Invitae), Labcorp
Classification: Uncertain significance. Last evaluated: 2024-07-12. Review status: criteria provided, single submitter. Criteria: Invitae Variant Classification Sherloc (09022015). Collection method: clinical testing. Allele origin: germline.
Comment: This sequence change replaces serine, which is neutral and polar, with phenylalanine, which is neutral and non-polar, at codon 643 of the ZNF687 protein (p.Ser643Phe). This variant is not present in population databases (gnomAD no frequency). This variant has not been reported in the literature in individuals affected with ZNF687-related conditions. An algorithm developed to predict the effect of missense changes on protein structure and function outputs the following: PolyPhen-2: "Benign". The phenylalanine amino acid residue is found in multiple mammalian species, which suggests that this missense change does not adversely affect protein function. In summary, the available evidence is currently insufficient to determine the role of this variant in disease. Therefore, it has been classified as a Variant of Uncertain Significance.

NM_020832.3(ZNF687):c.1928C>T (p.Ser643Phe)

Gene: ZNF687 (zinc finger protein 687; plus strand). Cytogenetic location: 1q21.3.
Variant type: single nucleotide variant.
Coding change: c.1928C>T on transcript NM_020832.3 (MANE Select); coding-DNA position 1928, C replaced by T.
Protein change: p.Ser643Phe; replaces serine 643 with phenylalanine.
Molecular consequence: missense variant.
Genome position (GRCh38, 1-based): chr1:151,288,219, C>T. VCF-style: chr1-151288219-C-T. GRCh37 (hg19) VCF-style: chr1-151260695-C-T.
Other names: c.1928C>T, p.Ser643Phe (NM_001304763.2, NM_001304764.2); short protein forms S643F.
Identifiers: ClinVar variation 3617832 (VCV003617832.2).